The following is an entry in ClinVar:

NM_025243.4(SLC19A3):c.412A>G (p.Arg138Gly)

Gene: SLC19A3 (solute carrier family 19 member 3; minus strand). Cytogenetic location: 2q36.3.
Variant type: single nucleotide variant.
Coding change: c.412A>G on transcript NM_025243.4 (MANE Select); coding-DNA position 412, A replaced by G.
Protein change: p.Arg138Gly; replaces arginine 138 with glycine.
Molecular consequence: missense variant.
Genome position (GRCh38, 1-based): chr2:227,699,303, T>C on the plus strand (A>G on the coding strand, the complement: SLC19A3 is on the minus strand). VCF-style: chr2-227699303-T-C. GRCh37 (hg19) VCF-style: chr2-228564019-T-C.
Other names: c.412A>G, p.Arg138Gly (NM_001371411.1, NM_001371412.1); c.400A>G, p.Arg134Gly (NM_001371413.1, NM_001371414.1); short protein forms R138G, R134G.
Identifiers: ClinVar variation 850581 (VCV000850581.8), dbSNP rs201318094, ClinGen allele CA2149301.
Genomic context (GRCh38, chr2:227,699,303, plus strand): 5'-CCAGCACCGACCCTGCTGTGTAGGCGGCCAGCGTGACGCTCCTGCAGTAGCCGCTCACTC[T>C]CTGGTAGTGCTCGGGGCTGACCACGCTGTATATGTAGGCGTAGTAGGCCACCTCGGCGGC-3'
Protein context (NP_079519.1, residues 128-148): YSVVSPEHYQ[Arg138Gly]VSGYCRSVTL

ClinVar aggregate classification (germline): Uncertain significance. Review status: criteria provided, multiple submitters, no conflicts (2 of 4 stars). 2 submissions from 2 submitters: Uncertain significance (2). Last evaluated 2024-09-30.

Conditions:
Biotin-responsive basal ganglia disease (BTBGD). Also called: Thiamine metabolism dysfunction syndrome type 2; THIAMINE METABOLISM DYSFUNCTION SYNDROME 2 (BIOTIN- AND THIAMINE-RESPONSIVE TYPE); Thiamine Transporter-2 Deficiency; Thiamine metabolism dysfunction syndrome 2 (biotin- or thiamine-responsive encephalopathy type 2); thiamine-responsive encephalopathy. Identifiers: Orphanet 199348, Orphanet 65284, MedGen C1843807, MONDO:0011841, OMIM 607483.

Allele frequency attached by ClinVar (database versions not stated): ExAC 0.00001; gnomAD 0.00001; gnomAD exomes 0.00001 and 0.00002; TOPMed 0.00004; ESP Exome Variant Server 0.00008.

Submissions (2):

GeneDx
Classification: Uncertain significance. Last evaluated: 2024-09-30. Review status: criteria provided, single submitter. Criteria: GeneDx Variant Classification Process June 2021. Collection method: clinical testing. Allele origin: germline. Affected: yes.
Comment: Not observed at significant frequency in large population cohorts (gnomAD); In silico analysis supports that this missense variant has a deleterious effect on protein structure/function; Has not been previously published as pathogenic or benign to our knowledge; This variant is associated with the following publications: (PMID: 28402605)

Labcorp Genetics (formerly Invitae), Labcorp
Classification: Uncertain significance for Biotin-responsive basal ganglia disease. Last evaluated: 2021-08-26. Review status: criteria provided, single submitter. Criteria: Invitae Variant Classification Sherloc (09022015). Collection method: clinical testing. Allele origin: germline.
Comment: This sequence change replaces arginine with glycine at codon 138 of the SLC19A3 protein (p.Arg138Gly). The arginine residue is weakly conserved and there is a moderate physicochemical difference between arginine and glycine. This variant is present in population databases (rs201318094, ExAC 0.009%). This variant has not been reported in the literature in individuals affected with SLC19A3-related conditions. Algorithms developed to predict the effect of missense changes on protein structure and function are either unavailable or do not agree on the potential impact of this missense change (SIFT: "Deleterious"; PolyPhen-2: "Possibly Damaging"; Align-GVGD: "Class C0"). In summary, the available evidence is currently insufficient to determine the role of this variant in disease. Therefore, it has been classified as a Variant of Uncertain Significance.